The following is an entry in ClinVar:

NM_198994.3(TGM6):c.850+1G>A

Gene: TGM6 (transglutaminase 6; plus strand). Cytogenetic location: 20p13.
Variant type: single nucleotide variant.
Coding change: c.850+1G>A on transcript NM_198994.3 (MANE Select); the canonical splice donor site of the intron after coding-DNA position 850, G replaced by A.
Molecular consequence: splice donor variant.
Genome position (GRCh38, 1-based): chr20:2,399,739, G>A. VCF-style: chr20-2399739-G-A. GRCh37 (hg19) VCF-style: chr20-2380385-G-A.
Other names: c.850+1G>A (NM_001254734.2).
Identifiers: ClinVar variation 3256544 (VCV003256544.1).

ClinVar aggregate classification (germline): Likely pathogenic (1 of 4 stars; one submission).

Conditions:
Spinocerebellar ataxia type 35. Identifiers: Orphanet 276193, MedGen C3888031, MONDO:0013485, OMIM 613908.

Submission:

Laboratory of Medical Genetics, National & Kapodistrian University of Athens
Classification: Likely pathogenic for Spinocerebellar ataxia type 35. Last evaluated: 2024-04-25. Review status: criteria provided, single submitter. Criteria: ACMG Guidelines, 2015. Collection method: clinical testing. Allele origin: germline. Affected: yes.
Comment: PVS1, PM2 -The variant is expected to result in an absent or disrupted protein product. Low frequency in gnomAD population databases.